The following is an entry in ClinVar:

ClinVar aggregate classification (germline): Likely pathogenic (1 of 4 stars; one submission).

Conditions:
Platyspondylic dysplasia, Torrance type (PLSDT). Identifiers: Orphanet 85166, MedGen C1835437, MONDO:0007895, OMIM 151210.

Submission:

3billion
Classification: Likely pathogenic for Platyspondylic dysplasia, Torrance type. Last evaluated: 2023-02-23. Review status: criteria provided, single submitter. Criteria: ACMG Guidelines, 2015. Collection method: clinical testing. Allele origin: unknown. Affected: yes.
Comment: The variant is not observed in the gnomAD v2.1.1 dataset. Missense changes are a common disease-causing mechanism. In silico tool predictions suggest damaging effect of the variant on gene or gene product (REVEL: 0.99; 3Cnet: 0.98). Same nucleotide change resulting in same amino acid change (PMID: 21442341) and a different missense change at the same codon (p.Gly213Val / PMID: 26443184) have been previously reported to be associated with COL2A1 -related disorder. Therefore, this variant is classified as Likely pathogenic according to the recommendation of ACMG/AMP guideline.

Literature cited by the submitters: PubMed 26443184; PubMed 21442341.

NM_001844.5(COL2A1):c.638G>A (p.Gly213Asp)

Gene: COL2A1 (collagen type II alpha 1 chain; minus strand). Cytogenetic location: 12q13.11.
Variant type: single nucleotide variant.
Coding change: c.638G>A on transcript NM_001844.5 (MANE Select); coding-DNA position 638, G replaced by A.
Protein change: p.Gly213Asp; replaces glycine 213 with aspartic acid.
Molecular consequence: missense variant.
Genome position (GRCh38, 1-based): chr12:47,995,891, C>T on the plus strand (G>A on the coding strand, the complement: COL2A1 is on the minus strand). VCF-style: chr12-47995891-C-T. GRCh37 (hg19) VCF-style: chr12-48389674-C-T.
Other names: c.431G>A, p.Gly144Asp (NM_033150.3); short protein forms G144D, G213D.
Identifiers: ClinVar variation 2444385 (VCV002444385.1), dbSNP rs2540175331, ClinGen allele CA384523881.